The following is an entry in ClinVar:

NM_006904.7(PRKDC):c.1300G>T (p.Val434Phe)

Gene: PRKDC (protein kinase, DNA-activated, catalytic subunit; minus strand). Cytogenetic location: 8q11.21.
Variant type: single nucleotide variant.
Coding change: c.1300G>T on transcript NM_006904.7 (MANE Select); coding-DNA position 1300, G replaced by T.
Protein change: p.Val434Phe; replaces valine 434 with phenylalanine.
Molecular consequence: missense variant.
Genome position (GRCh38, 1-based): chr8:47,935,879, C>A on the plus strand (G>T on the coding strand, the complement: PRKDC is on the minus strand). VCF-style: chr8-47935879-C-A. GRCh37 (hg19) VCF-style: chr8-48848439-C-A.
Other names: c.1300G>T, p.Val434Phe (NM_001081640.2); short protein forms V434F.
Identifiers: ClinVar variation 2453260 (VCV002453260.2), dbSNP rs1478347179, ClinGen allele CA371165976.

ClinVar aggregate classification (germline): Uncertain significance (1 of 4 stars; one submission).

Allele frequency attached by ClinVar (database versions not stated): TOPMed below 0.00001.

Submission:

Ambry Genetics
Classification: Uncertain significance. Last evaluated: 2022-12-24. Review status: criteria provided, single submitter. Criteria: Ambry Variant Classification Scheme 2023. Collection method: clinical testing. Allele origin: germline.
Comment: The p.V434F variant (also known as c.1300G>T), located in coding exon 13 of the PRKDC gene, results from a G to T substitution at nucleotide position 1300. The valine at codon 434 is replaced by phenylalanine, an amino acid with highly similar properties. This amino acid position is conserved. In addition, this alteration is predicted to be tolerated by in silico analysis. Since supporting evidence is limited at this time, the clinical significance of this alteration remains unclear.